The following is an entry in ClinVar:

NM_001458.5(FLNC):c.5754T>A (p.Tyr1918Ter)

Genes: FLNC (filamin C; plus strand), FLNC-AS1 (FLNC antisense RNA 1; minus strand). Cytogenetic location: 7q32.1.
Variant type: single nucleotide variant.
Coding change: c.5754T>A on transcript NM_001458.5 (MANE Select); coding-DNA position 5754, T replaced by A.
Protein change: p.Tyr1918Ter; replaces tyrosine 1918 with a stop codon.
Molecular consequence: nonsense.
Genome position (GRCh38, 1-based): chr7:128,851,540, T>A. VCF-style: chr7-128851540-T-A. GRCh37 (hg19) VCF-style: chr7-128491594-T-A.
Other names: c.5655T>A, p.Tyr1885Ter (NM_001127487.2); short protein forms Y1918*, Y1885*.
Identifiers: ClinVar variation 504187 (VCV000504187.12), dbSNP rs764539989, ClinGen allele CA369208313.

ClinVar aggregate classification (germline): Pathogenic/Likely pathogenic. Review status: criteria provided, multiple submitters, no conflicts (2 of 4 stars). 4 submissions from 4 submitters: Pathogenic (3); Likely pathogenic (1). Last evaluated 2026-03-27.

Conditions:
Cardiovascular phenotype. Identifiers: MedGen CN230736.
Myofibrillar myopathy 5. Also called: Filaminopathy (type); FILAMINOPATHY, AUTOSOMAL DOMINANT. Identifiers: Orphanet 171445, MedGen C1836050, MONDO:0012289, OMIM 609524.
Distal myopathy with posterior leg and anterior hand involvement. Also called: WILLIAMS DISTAL MYOPATHY. Identifiers: Orphanet 63273, MedGen C3279722, MONDO:0013550, OMIM 614065.
Hypertrophic cardiomyopathy 26. Also called: Cardiomyopathy, familial hypertrophic, 26. Identifiers: Orphanet 75249, MedGen C4310749, MONDO:0014883, OMIM 617047.

gnomAD v4.1: 2 of 1,613,980 alleles (0.00012%); highest among the groups gnomAD compares: Non-Finnish European, 0.000085%; no homozygotes.

Submissions (4):

Ambry Genetics
Classification: Pathogenic for Cardiovascular phenotype. Last evaluated: 2026-03-27. Review status: criteria provided, single submitter. Criteria: Ambry Variant Classification Scheme 2023. Collection method: clinical testing. Allele origin: germline.
Comment: The p.Y1918* pathogenic mutation (also known as c.5754T>A), located in coding exon 35 of the FLNC gene, results from a T to A substitution at nucleotide position 5754. This changes the amino acid from a tyrosine to a stop codon within coding exon 35. This variant is considered to be rare based on population cohorts in the Genome Aggregation Database (gnomAD). This alteration is expected to result in loss of function by premature protein truncation or nonsense-mediated mRNA decay. As such, this alteration is interpreted as a disease-causing mutation for FLNC-related dilated cardiomyopathy; however, its clinical significance for FLNC-related hypertrophic/restrictive cardiomyopathy and/or skeletal myopathy is uncertain.

GeneDx
Classification: Likely pathogenic. Last evaluated: 2026-02-10. Review status: criteria provided, single submitter. Criteria: GeneDx Variant Classification Process June 2021. Collection method: clinical testing. Allele origin: germline. Affected: yes.
Comment: Nonsense variant predicted to result in protein truncation or nonsense mediated decay in a gene for which loss of function is a known mechanism of disease; Not observed at significant frequency in large population cohorts (gnomAD); Has not been previously published as pathogenic or benign to our knowledge

Labcorp Genetics (formerly Invitae), Labcorp
Classification: Pathogenic for Distal myopathy with posterior leg and anterior hand involvement; Myofibrillar myopathy 5; Hypertrophic cardiomyopathy 26. Last evaluated: 2025-12-24. Review status: criteria provided, single submitter. Criteria: Invitae Variant Classification Sherloc (09022015). Collection method: clinical testing. Allele origin: germline.
Comment: This sequence change creates a premature translational stop signal (p.Tyr1918*) in the FLNC gene. It is expected to result in an absent or disrupted protein product. Loss-of-function variants in FLNC are known to be pathogenic (PMID: 27908349). This variant is present in population databases (no rsID available, gnomAD 0.0009%). This variant has not been reported in the literature in individuals affected with FLNC-related conditions. ClinVar contains an entry for this variant (Variation ID: 504187). For these reasons, this variant has been classified as Pathogenic.

Human Genetics Bochum, Ruhr University Bochum
Classification: Pathogenic for Hypertrophic cardiomyopathy 26. Last evaluated: 2025-03-17. Review status: criteria provided, single submitter. Criteria: ACMG Guidelines, 2015. Collection method: clinical testing. Allele origin: germline. Affected: yes.
Comment: ACMG criteria used to clasify this variant: PVS1, PS4_SUP, PM2_SUP

Literature cited by the submitters: PubMed 27908349 (cited by Labcorp Genetics (formerly Invitae), Labcorp).